The following is an entry in ClinVar:

NM_001031710.3(KLHL7):c.382C>T (p.Pro128Ser)

Gene: KLHL7 (kelch like family member 7; plus strand). Cytogenetic location: 7p15.3.
Variant type: single nucleotide variant.
Coding change: c.382C>T on transcript NM_001031710.3 (MANE Select); coding-DNA position 382, C replaced by T.
Protein change: p.Pro128Ser; replaces proline 128 with serine.
Molecular consequence: missense variant. On other transcripts: non-coding transcript variant (2).
Genome position (GRCh38, 1-based): chr7:23,125,112, C>T. VCF-style: chr7-23125112-C-T. GRCh37 (hg19) VCF-style: chr7-23164731-C-T.
Other names: c.382C>T, p.Pro128Ser (NM_001172428.2); c.238C>T, p.Pro80Ser (NM_018846.5); short protein forms P80S, P128S.
Identifiers: ClinVar variation 2004933 (VCV002004933.4), dbSNP rs2534811690, ClinGen allele CA366975646.

ClinVar aggregate classification (germline): Uncertain significance (1 of 4 stars; one submission).

Submission:

Labcorp Genetics (formerly Invitae), Labcorp
Classification: Uncertain significance. Last evaluated: 2022-11-01. Review status: criteria provided, single submitter. Criteria: Invitae Variant Classification Sherloc (09022015). Collection method: clinical testing. Allele origin: germline.
Comment: In summary, the available evidence is currently insufficient to determine the role of this variant in disease. Therefore, it has been classified as a Variant of Uncertain Significance. Algorithms developed to predict the effect of missense changes on protein structure and function are either unavailable or do not agree on the potential impact of this missense change (SIFT: "Deleterious"; PolyPhen-2: "Benign"; Align-GVGD: "Class C65"). This variant has not been reported in the literature in individuals affected with KLHL7-related conditions. This variant is not present in population databases (gnomAD no frequency). This sequence change replaces proline, which is neutral and non-polar, with serine, which is neutral and polar, at codon 128 of the KLHL7 protein (p.Pro128Ser).